The following is an entry in ClinVar:

NM_001244008.2(KIF1A):c.1422-50G>A

Gene: KIF1A (kinesin family member 1A; minus strand). Cytogenetic location: 2q37.3.
Variant type: single nucleotide variant.
Coding change: c.1422-50G>A on transcript NM_001244008.2 (MANE Select); 50 bases into the intron before coding-DNA position 1422, G replaced by A.
Molecular consequence: intron variant.
Genome position (GRCh38, 1-based): chr2:240,769,258, C>T on the plus strand (G>A on the coding strand, the complement: KIF1A is on the minus strand). VCF-style: chr2-240769258-C-T. GRCh37 (hg19) VCF-style: chr2-241708675-C-T.
Other names: c.1395-50G>A (NM_001379653.1, NM_001379650.1, NM_001379645.1 and 10 more transcripts); c.1497-50G>A (NM_001379635.1, NM_001330290.2, NM_001379646.1 and 2 more transcripts); c.1470-50G>A (NM_001379637.1, NM_001379648.1); c.1422-50G>A (NM_001320705.2, NM_001379638.1, NM_001330289.2).
Identifiers: ClinVar variation 682837 (VCV000682837.2), dbSNP rs2288753, ClinGen allele CA2208401.

ClinVar aggregate classification (germline): Benign. Review status: criteria provided, multiple submitters, no conflicts (2 of 4 stars). 2 submissions from 2 submitters: Benign (2). Last evaluated 2018-06-14.

Allele frequency attached by ClinVar (database versions not stated): ESP Exome Variant Server 0.25322; TOPMed 0.27412; gnomAD 0.27425 and 0.27756; gnomAD exomes 0.28578; ExAC 0.30899; 1000 Genomes Project 30x 0.33073; 1000 Genomes Project 0.33526.
gnomAD v4.1: 421,054 of 1,528,638 alleles (28%); highest among the groups gnomAD compares: East Asian, 56%; 59,909 homozygotes.

Submissions (2):

GeneDx
Classification: Benign. Last evaluated: 2018-06-14. Review status: criteria provided, single submitter. Criteria: GeneDx Variant Classification (06012015). Collection method: clinical testing. Allele origin: germline. Affected: yes.
Comment: This variant is considered likely benign or benign based on one or more of the following criteria: it is a conservative change, it occurs at a poorly conserved position in the protein, it is predicted to be benign by multiple in silico algorithms, and/or has population frequency not consistent with disease.

Breakthrough Genomics
Classification: Benign. Review status: criteria provided, single submitter. Criteria: ACMG Guidelines, 2015. Collection method: not provided. Allele origin: germline. Inheritance: Autosomal recessive inheritance. Affected: yes.